The following is an entry in ClinVar:

NM_001330588.2(TPP2):c.1531C>G (p.Leu511Val)

Gene: TPP2 (tripeptidyl peptidase 2; plus strand). Cytogenetic location: 13q33.1.
Variant type: single nucleotide variant.
Coding change: c.1531C>G on transcript NM_001330588.2 (MANE Select); coding-DNA position 1531, C replaced by G.
Protein change: p.Leu511Val; replaces leucine 511 with valine.
Molecular consequence: missense variant. On other transcripts: non-coding transcript variant (1).
Genome position (GRCh38, 1-based): chr13:102,636,245, C>G. VCF-style: chr13-102636245-C-G. GRCh37 (hg19) VCF-style: chr13-103288595-C-G.
Other names: c.1531C>G, p.Leu511Val (NM_001367947.1, NM_003291.4); short protein forms L511V.
Identifiers: ClinVar variation 2179958 (VCV002179958.4), dbSNP rs779709861, ClinGen allele CA7037764.

ClinVar aggregate classification (germline): Uncertain significance (1 of 4 stars; one submission).

Conditions:
Evans syndrome, immunodeficiency, and premature immunosenescence associated with tripeptidyl-peptidase II deficiency. Identifiers: MedGen CN231723. Disease mechanism: loss of function.

Allele frequency attached by ClinVar (database versions not stated): gnomAD exomes below 0.00001; ExAC 0.00001.
gnomAD v4.1: 5 of 1,611,730 alleles (0.00031%); highest among the groups gnomAD compares: East Asian, 0.011%; no homozygotes.

Submission:

Labcorp Genetics (formerly Invitae), Labcorp
Classification: Uncertain significance for Evans syndrome, immunodeficiency, and premature immunosenescence associated with tripeptidyl-peptidase II deficiency. Last evaluated: 2026-01-05. Review status: criteria provided, single submitter. Criteria: Invitae Variant Classification Sherloc (09022015). Collection method: clinical testing. Allele origin: germline.
Comment: This sequence change replaces leucine, which is neutral and non-polar, with valine, which is neutral and non-polar, at codon 511 of the TPP2 protein (p.Leu511Val). This variant is not present in population databases (gnomAD no frequency). This variant has not been reported in the literature in individuals affected with TPP2-related conditions. ClinVar contains an entry for this variant (Variation ID: 2179958). An algorithm developed to predict the effect of missense changes on protein structure and function (PolyPhen-2) suggests that this variant is likely to be disruptive. In summary, the available evidence is currently insufficient to determine the role of this variant in disease. Therefore, it has been classified as a Variant of Uncertain Significance.